The following is an entry in ClinVar:

NM_004211.5(SLC6A5):c.382C>G (p.Pro128Ala)

Gene: SLC6A5 (solute carrier family 6 member 5; plus strand). Cytogenetic location: 11p15.1.
Variant type: single nucleotide variant.
Coding change: c.382C>G on transcript NM_004211.5 (MANE Select); coding-DNA position 382, C replaced by G.
Protein change: p.Pro128Ala; replaces proline 128 with alanine.
Molecular consequence: missense variant. On other transcripts: 5 prime UTR variant (1).
Genome position (GRCh38, 1-based): chr11:20,601,507, C>G. VCF-style: chr11-20601507-C-G. GRCh37 (hg19) VCF-style: chr11-20623053-C-G.
Other names: c.-182C>G (NM_001318369.2); short protein forms P128A.
Identifiers: ClinVar variation 1379673 (VCV001379673.6), dbSNP rs781152123, ClinGen allele CA379912084.

ClinVar aggregate classification (germline): Uncertain significance (1 of 4 stars; one submission).

Conditions:
Hyperekplexia 3 (HKPX3). Also called: HYPEREKPLEXIA 3, AUTOSOMAL RECESSIVE; HYPEREKPLEXIA 3, AUTOSOMAL DOMINANT. Identifiers: Orphanet 3197, MedGen C3553288, MONDO:0013827, OMIM 614618.

Allele frequency attached by ClinVar (database versions not stated): TOPMed below 0.00001.
gnomAD v4.1: 1 of 1,614,034 alleles (0.000062%); highest among the groups gnomAD compares: African/African-American, 0.0013%; no homozygotes.

Submission:

Labcorp Genetics (formerly Invitae), Labcorp
Classification: Uncertain significance for Hyperekplexia 3. Last evaluated: 2022-03-19. Review status: criteria provided, single submitter. Criteria: Invitae Variant Classification Sherloc (09022015). Collection method: clinical testing. Allele origin: germline.
Comment: This sequence change replaces proline, which is neutral and non-polar, with alanine, which is neutral and non-polar, at codon 128 of the SLC6A5 protein (p.Pro128Ala). In summary, the available evidence is currently insufficient to determine the role of this variant in disease. Therefore, it has been classified as a Variant of Uncertain Significance. Advanced modeling of protein sequence and biophysical properties (such as structural, functional, and spatial information, amino acid conservation, physicochemical variation, residue mobility, and thermodynamic stability) performed at Invitae indicates that this missense variant is not expected to disrupt SLC6A5 protein function. This variant has not been reported in the literature in individuals affected with SLC6A5-related conditions. This variant is not present in population databases (gnomAD no frequency).